The following is an entry in ClinVar:

NM_001037.5(SCN1B):c.448+610T>C

Gene: SCN1B (sodium voltage-gated channel beta subunit 1; plus strand). Cytogenetic location: 19q13.11.
Variant type: single nucleotide variant.
Coding change: c.448+610T>C on transcript NM_001037.5 (MANE Select); 610 bases into the intron after coding-DNA position 448, T replaced by C.
Molecular consequence: intron variant. On other transcripts: 3 prime UTR variant (1).
Genome position (GRCh38, 1-based): chr19:35,034,349, T>C. VCF-style: chr19-35034349-T-C. GRCh37 (hg19) VCF-style: chr19-35525253-T-C.
Other names: c.*251T>C (NM_199037.5); c.349+610T>C (NM_001321605.2).
Identifiers: ClinVar variation 683809 (VCV000683809.2), dbSNP rs67777826, ClinGen allele CA14641502.

ClinVar aggregate classification (germline): Benign. Review status: criteria provided, multiple submitters, no conflicts (2 of 4 stars). 2 submissions from 2 submitters: Benign (2). Last evaluated 2018-06-18.

Allele frequency attached by ClinVar (database versions not stated): 1000 Genomes Project 30x 0.23001; 1000 Genomes Project 0.23203; TOPMed 0.28312; gnomAD 0.28660 and 0.28960; gnomAD exomes 0.30253.
gnomAD v4.1: 171,411 of 572,370 alleles (30%); highest among the groups gnomAD compares: Middle Eastern, 46%; 27,051 homozygotes.

Submissions (2):

GeneDx
Classification: Benign. Last evaluated: 2018-06-18. Review status: criteria provided, single submitter. Criteria: GeneDx Variant Classification (06012015). Collection method: clinical testing. Allele origin: germline. Affected: yes.
Comment: This variant is considered likely benign or benign based on one or more of the following criteria: it is a conservative change, it occurs at a poorly conserved position in the protein, it is predicted to be benign by multiple in silico algorithms, and/or has population frequency not consistent with disease.

Breakthrough Genomics
Classification: Benign. Review status: criteria provided, single submitter. Criteria: ACMG Guidelines, 2015. Collection method: not provided. Allele origin: germline. Inheritance: Autosomal recessive inheritance. Affected: yes.